The following is an entry in ClinVar:

NM_007294.4(BRCA1):c.5193+30A>T

Gene: BRCA1 (BRCA1 DNA repair associated; minus strand). Cytogenetic location: 17q21.31.
Variant type: single nucleotide variant.
Coding change: c.5193+30A>T on transcript NM_007294.4 (MANE Select); 30 bases into the intron after coding-DNA position 5193, A replaced by T.
Molecular consequence: intron variant.
Genome position (GRCh38, 1-based): chr17:43,063,303, T>A on the plus strand (A>T on the coding strand, the complement: BRCA1 is on the minus strand). VCF-style: chr17-43063303-T-A. GRCh37 (hg19) VCF-style: chr17-41215320-T-A.
Other names: c.5064+30A>T (NM_001407685.1, NM_001407688.1, NM_001407682.1 and 6 more transcripts); c.5067+30A>T (NM_001407940.1, NM_001407671.1, NM_001407676.1 and 10 more transcripts); c.5133+30A>T (NM_001407649.1); c.1878+30A>T (NM_001408401.1, NM_001408396.1, NM_001408404.1 and 8 more transcripts); c.1881+30A>T (NM_001407985.1, NM_001408472.1, NM_001407990.1 and 12 more transcripts); c.5184+30A>T (NM_001407644.1, NM_001407645.1); c.5187+30A>T (NM_001407627.1, NM_001407861.1, NM_001407635.1 and 14 more transcripts); c.5190+30A>T (NM_001407614.1, NM_001407626.1, NM_001407617.1 and 17 more transcripts); and 72 more.
Identifiers: ClinVar variation 867495 (VCV000867495.3), dbSNP rs2051847330, ClinGen allele CA916079974.

Conditions:
Breast-ovarian cancer, familial, susceptibility to, 1 (BROVCA1). Also called: BRCA1 Hereditary Breast and Ovarian Cancer; OVARIAN CANCER, SUSCEPTIBILITY TO. Identifiers: Orphanet 145, MedGen C2676676, MONDO:0011450, OMIM 604370. Disease mechanism: loss of function.

Submission:

Brotman Baty Institute, University of Washington
No classification provided (evidence only). Condition: Breast-ovarian cancer, familial 1. Review status: no classification provided. Collection method: in vitro. Allele origin: not applicable. Functional consequence: functionally_normal.
ClinVar note: "not provided" was previously submitted as the classification for the variant. However, the classification appeared to be based only on an observation of functional data so it was converted to no classification on 2025-07-30.